The following is an entry in ClinVar:

NM_005612.5(REST):c.983-1G>A

Gene: REST (RE1 silencing transcription factor; plus strand). Cytogenetic location: 4q12.
Variant type: single nucleotide variant.
Coding change: c.983-1G>A on transcript NM_005612.5 (MANE Select); the canonical splice acceptor site of the intron before coding-DNA position 983, G replaced by A.
Molecular consequence: splice acceptor variant.
Genome position (GRCh38, 1-based): chr4:56,929,840, G>A. VCF-style: chr4-56929840-G-A. GRCh37 (hg19) VCF-style: chr4-57796006-G-A.
Other names: c.899-1G>A (NM_001440532.1, NM_001440533.1); c.983-1G>A (NM_001363453.3, NM_001193508.2).
Identifiers: ClinVar variation 2956151 (VCV002956151.3), dbSNP rs2475848139, ClinGen allele CA357005568.

ClinVar aggregate classification (germline): Uncertain significance (1 of 4 stars; one submission).

Submission:

Labcorp Genetics (formerly Invitae), Labcorp
Classification: Uncertain significance. Last evaluated: 2023-07-12. Review status: criteria provided, single submitter. Criteria: Invitae Variant Classification Sherloc (09022015). Collection method: clinical testing. Allele origin: germline.
Comment: In summary, the available evidence is currently insufficient to determine the role of this variant in disease. Therefore, it has been classified as a Variant of Uncertain Significance. Variants that disrupt the consensus splice site are a relatively common cause of aberrant splicing (PMID: 17576681, 9536098). Algorithms developed to predict the effect of sequence changes on RNA splicing suggest that this variant may disrupt the consensus splice site. This variant has not been reported in the literature in individuals affected with REST-related conditions. This variant is not present in population databases (gnomAD no frequency). This sequence change affects an acceptor splice site in intron 3 of the REST gene. While this variant is not anticipated to result in nonsense mediated decay, it likely alters RNA splicing and results in a disrupted protein product.

Literature cited by the submitters: PubMed 17576681; PubMed 9536098.